The following is an entry in ClinVar:

NM_006231.4(POLE):c.6551_6552del (p.Gln2184fs)

Gene: POLE (DNA polymerase epsilon, catalytic subunit; minus strand). Cytogenetic location: 12q24.33.
Variant type: Deletion.
Coding change: c.6551_6552del on transcript NM_006231.4 (MANE Select); coding-DNA positions 6551 to 6552, 2 bases deleted (AG; older notation c.6551_6552delAG).
Protein change: p.Gln2184fs; shifts the reading frame from glutamine 2184.
Molecular consequence: frameshift variant.
Genome position (GRCh38, 1-based): chr12:132,625,750-132,625,751, CT deleted on the plus strand (AG on the coding strand, the reverse complement: POLE is on the minus strand). VCF-style (leftmost placement, unchanged base first): chr12-132625749-ACT-A. GRCh37 (hg19) VCF-style: chr12-133202335-ACT-A.
Other names: short protein forms Q2184fs.
Identifiers: ClinVar variation 1007208 (VCV001007208.8), dbSNP rs2041825753, ClinGen allele CA2072977470.

ClinVar aggregate classification (germline): Pathogenic (1 of 4 stars; one submission).

Submission:

Labcorp Genetics (formerly Invitae), Labcorp
Classification: Pathogenic. Last evaluated: 2022-05-12. Review status: criteria provided, single submitter. Criteria: Invitae Variant Classification Sherloc (09022015). Collection method: clinical testing. Allele origin: germline.
Comment: For these reasons, this variant has been classified as Pathogenic. Algorithms developed to predict the effect of sequence changes on RNA splicing suggest that this variant may disrupt the consensus splice site. ClinVar contains an entry for this variant (Variation ID: 1007208). This variant has not been reported in the literature in individuals affected with POLE-related conditions. This variant is not present in population databases (gnomAD no frequency). This sequence change creates a premature translational stop signal (p.Gln2184Leufs*119) in the POLE gene. It is expected to result in an absent or disrupted protein product. Loss-of-function variants in POLE are known to be pathogenic (PMID: 23230001, 25948378, 30503519).

Literature cited by the submitters: PubMed 23230001; PubMed 25948378; PubMed 30503519.